The following is an entry in ClinVar:

ClinVar aggregate classification (germline): Uncertain significance (1 of 4 stars; one submission).

Conditions:
Congenital dyserythropoietic anemia, type III (CDAN3A). Also called: ERYTHRORETICULOSIS, HEREDITARY BENIGN; ANEMIA WITH MULTINUCLEATED ERYTHROBLASTS; Dyserythropoietic anemia, congenital type 3. Identifiers: Orphanet 98870, MedGen C5676874, MONDO:0007109, OMIM 105600.

Submission:

Juno Genomics, Hangzhou Juno Genomics, Inc
Classification: Uncertain significance for Congenital dyserythropoietic anemia, type III. Review status: criteria provided, single submitter. Criteria: ACMG Guidelines, 2015. Collection method: clinical testing. Allele origin: germline.
Comment: Absent from controls (or at extremely low frequency if recessive) in Genome Aggregation Database.;Multiple lines of computational evidence support a deleterious effect on the gene or gene product.;Missense variant in a gene that has a low rate of benign missense variation.

NM_001367805.3(KIF23):c.83T>C (p.Val28Ala)

Gene: KIF23 (kinesin family member 23; plus strand). Cytogenetic location: 15q23.
Variant type: single nucleotide variant.
Coding change: c.83T>C on transcript NM_001367805.3 (MANE Select); coding-DNA position 83, T replaced by C.
Protein change: p.Val28Ala; replaces valine 28 with alanine.
Molecular consequence: missense variant. On other transcripts: 5 prime UTR variant (1), non-coding transcript variant (2).
Genome position (GRCh38, 1-based): chr15:69,417,384, T>C. VCF-style: chr15-69417384-T-C. GRCh37 (hg19) VCF-style: chr15-69709723-T-C.
Other names: c.-111T>C (NM_001281301.2); c.83T>C, p.Val28Ala (NM_001367804.2, NM_004856.7, NM_138555.4); short protein forms V28A.
Identifiers: ClinVar variation 5020004 (VCV005020004.2).